The following is an entry in ClinVar:

NM_001080779.2(MYO1C):c.1548T>C (p.Thr516=)

Gene: MYO1C (myosin IC; minus strand). Cytogenetic location: 17p13.3.
Variant type: single nucleotide variant.
Coding change: c.1548T>C on transcript NM_001080779.2 (MANE Select); coding-DNA position 1548, T replaced by C.
Protein change: p.Thr516=; no amino-acid change (threonine 516 retained).
Molecular consequence: synonymous variant.
Genome position (GRCh38, 1-based): chr17:1,477,531, A>G on the plus strand (T>C on the coding strand, the complement: MYO1C is on the minus strand). VCF-style: chr17-1477531-A-G. GRCh37 (hg19) VCF-style: chr17-1380825-A-G.
Other names: c.1491T>C, p.Thr497= (NM_001080950.2); c.1476T>C, p.Thr492= (NM_001363855.1); c.1443T>C, p.Thr481= (NM_033375.5).
Identifiers: ClinVar variation 668704 (VCV000668704.1), dbSNP rs138469522, ClinGen allele CA8267481.

ClinVar aggregate classification (germline): Likely benign (1 of 4 stars; one submission).

Allele frequency attached by ClinVar (database versions not stated): gnomAD exomes 0.00003 and 0.00009; ExAC 0.00008; ESP Exome Variant Server 0.00031; gnomAD 0.00034 and 0.00039; TOPMed 0.00045; 1000 Genomes Project 0.00060; 1000 Genomes Project 30x 0.00062.
gnomAD v4.1: 100 of 1,613,648 alleles (0.0062%); highest among the groups gnomAD compares: African/African-American, 0.12%; no homozygotes.

Submission:

GeneDx
Classification: Likely benign. Last evaluated: 2018-06-08. Review status: criteria provided, single submitter. Criteria: GeneDx Variant Classification (06012015). Collection method: clinical testing. Allele origin: germline. Affected: yes.
Comment: This variant is considered likely benign or benign based on one or more of the following criteria: it is a conservative change, it occurs at a poorly conserved position in the protein, it is predicted to be benign by multiple in silico algorithms, and/or has population frequency not consistent with disease.